The following is an entry in ClinVar:

NM_024675.4(PALB2):c.524delinsAT (p.Arg175fs)

Gene: PALB2 (partner and localizer of BRCA2; minus strand). Cytogenetic location: 16p12.2.
Variant type: Indel.
Coding change: c.524delinsAT on transcript NM_024675.4 (MANE Select); coding-DNA position 524, G replaced by AT.
Protein change: p.Arg175fs; shifts the reading frame from arginine 175.
Molecular consequence: frameshift variant. On other transcripts: 5 prime UTR variant (8), intron variant (3).
Genome position (GRCh38, 1-based): chr16:23,636,022, C replaced by AT on the plus strand (G replaced by AT on the coding strand, the reverse complement: PALB2 is on the minus strand). VCF-style: chr16-23636022-C-AT. GRCh37 (hg19) VCF-style: chr16-23647343-C-AT.
Other names: c.464delinsAT, p.Arg155fs (NM_001407296.1); c.524delinsAT, p.Arg175fs (NM_001407297.1, NM_001407298.1, NM_001407299.1 and 3 more transcripts); c.-362delinsAT (NM_001407304.1, NM_001407305.1, NM_001407306.1 and 5 more transcripts); c.48+5088delinsAT (NM_001407314.1); c.-105+5088delinsAT (NM_001407313.1, NM_001407312.1); short protein forms R155fs, R175fs.
Identifiers: ClinVar variation 2674061 (VCV002674061.1), dbSNP rs2506508888, ClinGen allele CA2695197550.

ClinVar aggregate classification (germline): Pathogenic (1 of 4 stars; one submission).

Conditions:
Familial cancer of breast. Also called: Hereditary breast cancer; BREAST CANCER, FAMILIAL; hereditary breast carcinoma. Identifiers: Orphanet 227535, MedGen C0346153, MONDO:0016419, OMIM 114480. Disease mechanism: loss of function.

Submission:

Myriad Genetics, Inc.
Classification: Pathogenic for Familial cancer of breast. Last evaluated: 2023-09-06. Review status: criteria provided, single submitter. Criteria: Myriad Autosomal Dominant, Autosomal Recessive and X-Linked Classification Criteria (2023). Collection method: clinical testing. Allele origin: unknown.
Comment: This variant is considered pathogenic. This variant creates a frameshift predicted to result in premature protein truncation.